The following is an entry in ClinVar:

ClinVar aggregate classification (germline): Uncertain significance. Review status: criteria provided, multiple submitters, no conflicts (2 of 4 stars). 3 submissions from 3 submitters: Uncertain significance (3). Last evaluated 2025-07-31.

Conditions:
Tuberous sclerosis 1 (TSC1). Identifiers: Orphanet 805, MedGen C1854465, MONDO:0008612, OMIM 191100.
Tuberous sclerosis syndrome (TSC). Also called: Tuberous sclerosis; Tuberous Sclerosis Complex. Identifiers: Orphanet 805, MedGen C0041341, MONDO:0001734.
Hereditary cancer-predisposing syndrome. Also called: Neoplastic Syndromes, Hereditary; Hereditary Cancer Syndrome; Tumor predisposition; Hereditary neoplastic syndrome. Identifiers: Orphanet 140162, MedGen C0027672, MeSH D009386, MONDO:0015356.

gnomAD v4.1: 3 of 1,614,180 alleles (0.00019%); highest among the groups gnomAD compares: Non-Finnish European, 0.00025%; no homozygotes.

Submissions (3):

Ambry Genetics
Classification: Uncertain significance for Hereditary cancer-predisposing syndrome. Last evaluated: 2025-07-31. Review status: criteria provided, single submitter. Criteria: Ambry Variant Classification Scheme 2023. Collection method: clinical testing. Allele origin: germline.
Comment: The p.A84S variant (also known as c.250G>T), located in coding exon 3 of the TSC1 gene, results from a G to T substitution at nucleotide position 250. The alanine at codon 84 is replaced by serine, an amino acid with similar properties. This amino acid position is not well conserved in available vertebrate species. In addition, this alteration is predicted to be tolerated by in silico analysis. Based on the available evidence, the clinical significance of this variant remains unclear.

Labcorp Genetics (formerly Invitae), Labcorp
Classification: Uncertain significance for Tuberous sclerosis 1. Last evaluated: 2025-07-21. Review status: criteria provided, single submitter. Criteria: Invitae Variant Classification Sherloc (09022015). Collection method: clinical testing. Allele origin: germline.
Comment: This sequence change replaces alanine, which is neutral and non-polar, with serine, which is neutral and polar, at codon 84 of the TSC1 protein (p.Ala84Ser). This variant is not present in population databases (gnomAD no frequency). This variant has not been reported in the literature in individuals affected with TSC1-related conditions. ClinVar contains an entry for this variant (Variation ID: 2562847). Invitae Evidence Modeling of protein sequence and biophysical properties (such as structural, functional, and spatial information, amino acid conservation, physicochemical variation, residue mobility, and thermodynamic stability) indicates that this missense variant is not expected to disrupt TSC1 protein function with a negative predictive value of 95%. In summary, the available evidence is currently insufficient to determine the role of this variant in disease. Therefore, it has been classified as a Variant of Uncertain Significance.

All of Us Research Program, National Institutes of Health
Classification: Uncertain significance for Tuberous sclerosis syndrome. Last evaluated: 2023-10-06. Review status: criteria provided, single submitter. Criteria: ACMG Guidelines, 2015. Collection method: clinical testing. Allele origin: germline. Inheritance: Autosomal dominant inheritance. Observed: 1 variant allele, 1 heterozygote.
Comment: This missense variant replaces alanine with serine at codon 84 of the TSC1 protein. Computational prediction suggests that this variant may not impact protein structure and function (internally defined REVEL score threshold <= 0.5, PMID: 27666373). To our knowledge, functional studies have not been reported for this variant. This variant has not been reported in individuals affected with hereditary cancer in the literature. This variant has not been identified in the general population by the Genome Aggregation Database (gnomAD). The available evidence is insufficient to determine the role of this variant in disease conclusively. Therefore, this variant is classified as a Variant of Uncertain Significance.

This study involves interpretation of variants in research participants for the purpose of population health screening. Participant phenotype was not available at the time of variant classification. Additional details can be found in publication PMID: 35346344, PMCID: PMC8962531

NM_000368.5(TSC1):c.250G>T (p.Ala84Ser)

Gene: TSC1 (TSC complex subunit 1; minus strand). Cytogenetic location: 9q34.13.
Variant type: single nucleotide variant.
Coding change: c.250G>T on transcript NM_000368.5 (MANE Select); coding-DNA position 250, G replaced by T.
Protein change: p.Ala84Ser; replaces alanine 84 with serine.
Molecular consequence: missense variant. On other transcripts: 5 prime UTR variant (18), non-coding transcript variant (5), intron variant (5).
Genome position (GRCh38, 1-based): chr9:132,925,700, C>A on the plus strand (G>T on the coding strand, the complement: TSC1 is on the minus strand). VCF-style: chr9-132925700-C-A. GRCh37 (hg19) VCF-style: chr9-135801087-C-A.
Other names: c.250G>T, p.Ala84Ser (NM_001162426.2, NM_001406592.1, NM_001406593.1 and 16 more transcripts); c.-114G>T (NM_001362177.2, NM_001406617.1, NM_001406618.1 and 5 more transcripts); c.-206G>T (NM_001406614.1, NM_001406616.1, NM_001406624.1); c.-239G>T (NM_001406615.1, NM_001406623.1); c.-628G>T (NM_001406626.1, NM_001406627.1, NM_001406628.1); c.-770G>T (NM_001406629.1); c.-844G>T (NM_001406630.1); c.210+1501G>T (NM_001406613.1, NM_001406612.1, NM_001406610.1 and 2 more transcripts); short protein forms A84S.
Identifiers: ClinVar variation 2562847 (VCV002562847.5), dbSNP rs118203357, ClinGen allele CA375374715.
Genomic context (GRCh38, chr9:132,925,700, plus strand): 5'-TCCAAGATGGCTGCAGTCTTATGACATGACCCAGTAACGAGAGGATGGATAAACGAGTGG[C>A]GGCTTTGCCCACATATTCGTTAATCCTGTCCAAGAGGTGCTGAAAATGTAAAAGAACAAG-3'
Protein context (NP_000359.1, residues 74-94): DRINEYVGKA[Ala84Ser]TRLSILSLLG